The following is an entry in ClinVar:

ClinVar aggregate classification (germline): Likely benign (0 of 4 stars; one submission).

Conditions:
DYNC2I2-related disorder. Also called: DYNC2I2-related condition.

Allele frequency attached by ClinVar (database versions not stated): ExAC 0.00001; gnomAD 0.00001; gnomAD exomes 0.00001; ESP Exome Variant Server 0.00008.
gnomAD v4.1: 10 of 1,594,854 alleles (0.00063%); highest among the groups gnomAD compares: African/African-American, 0.0027%; no homozygotes.

Submission:

PreventionGenetics, part of Exact Sciences
Classification: Likely benign for DYNC2I2-related condition. Last evaluated: 2019-04-05. Review status: no assertion criteria provided. Collection method: clinical testing. Allele origin: germline.
Comment: This variant is classified as likely benign based on ACMG/AMP sequence variant interpretation guidelines (Richards et al. 2015 PMID: 25741868, with internal and published modifications).

NM_052844.4(DYNC2I2):c.1230C>T (p.Ser410=)

Gene: DYNC2I2 (dynein 2 intermediate chain 2; minus strand). Cytogenetic location: 9q34.11.
Variant type: single nucleotide variant.
Coding change: c.1230C>T on transcript NM_052844.4 (MANE Select); coding-DNA position 1230, C replaced by T.
Protein change: p.Ser410=; no amino-acid change (serine 410 retained).
Molecular consequence: synonymous variant.
Genome position (GRCh38, 1-based): chr9:128,634,368, G>A on the plus strand (C>T on the coding strand, the complement: DYNC2I2 is on the minus strand). VCF-style: chr9-128634368-G-A. GRCh37 (hg19) VCF-style: chr9-131396647-G-A.
Identifiers: ClinVar variation 3057856 (VCV003057856.2), dbSNP rs146817584, ClinGen allele CA5266289.
Genomic context (GRCh38, chr9:128,634,368, plus strand): 5'-CGAAGTCAAGGGAGGGGCCTGCAGCATGGAGTACAGGTGGACATGCCCGTCAGTCCCAGC[G>A]CTCAGGAAGAGATTCCTAGACGGGATGCAGGGGGCCAGGCAAGGGAATCAGTGCTGGGGT-3'
Protein context (NP_443076.2, residues 400-420): CSPFHRNLFL[Ser410=]AGTDGHVHLY